The following is an entry in ClinVar:

ClinVar aggregate classification (germline): Benign. Review status: criteria provided, multiple submitters, no conflicts (2 of 4 stars). 3 submissions from 3 submitters: Benign (3). Last evaluated 2023-11-12.

Allele frequency attached by ClinVar (database versions not stated): gnomAD 0.13901 and 0.14160; gnomAD exomes 0.14081; TOPMed 0.14694; 1000 Genomes Project 30x 0.15928; 1000 Genomes Project 0.16394.
gnomAD v4.1: 68,019 of 481,810 alleles (14%); highest among the groups gnomAD compares: Middle Eastern, 25%; 5,389 homozygotes.

Submissions (3):

Unidad de Genómica Garrahan, Hospital de Pediatría Garrahan
Classification: Benign. Last evaluated: 2023-11-12. Review status: criteria provided, single submitter. Criteria: ACMG Guidelines, 2015. Collection method: clinical testing. Allele origin: germline. Affected: no. Observed: 19 variant alleles.
Comment: This variant is classified as Benign based on local population frequency. This variant was detected in 20% of patients studied by a panel of primary immunodeficiencies. Number of patients: 19. Only high quality variants are reported.

GeneDx
Classification: Benign. Last evaluated: 2021-06-19. Review status: criteria provided, single submitter. Criteria: GeneDx Variant Classification Process June 2021. Collection method: clinical testing. Allele origin: germline. Affected: yes.

Breakthrough Genomics
Classification: Benign. Review status: criteria provided, single submitter. Criteria: ACMG Guidelines, 2015. Collection method: not provided. Allele origin: germline. Inheritance: Autosomal recessive inheritance. Affected: yes.

NM_007315.4(STAT1):c.-1-305G>A

Gene: STAT1 (signal transducer and activator of transcription 1; minus strand). Cytogenetic location: 2q32.2.
Variant type: single nucleotide variant.
Coding change: c.-1-305G>A on transcript NM_007315.4 (MANE Select); 305 bases into the intron before 1 bases upstream of the start codon, G replaced by A.
Molecular consequence: intron variant.
Genome position (GRCh38, 1-based): chr2:191,010,309, C>T on the plus strand (G>A on the coding strand, the complement: STAT1 is on the minus strand). VCF-style: chr2-191010309-C-T. GRCh37 (hg19) VCF-style: chr2-191875035-C-T.
Other names: c.-1-305G>A (NM_001384890.1, NM_001384883.1, NM_001384885.1 and 8 more transcripts); c.5+58G>A (NM_001384884.1, NM_001384881.1).
Identifiers: ClinVar variation 1244456 (VCV001244456.5), dbSNP rs36077929, ClinGen allele CA62691619.
Genomic context (GRCh38, chr2:191,010,309, plus strand): 5'-GGGCAGCCTTCTCTGGCCTCTTTTATTTAAACTGCAACCACCTCCCACCCTGGAAACATG[C>T]TCTCTCTTTTCCCTGGTTTATTTTTCTTCATAGTACTTACACCACCATCTGACCTACCAC-3'